The following is an entry in ClinVar:

ClinVar aggregate classification (germline): Conflicting classifications of pathogenicity. Review status: criteria provided, conflicting classifications (1 of 4 stars). 3 submissions from 3 submitters: Uncertain significance (2); Likely benign (1). Last evaluated 2025-01-07.

Conditions:
PAX7-related disorder. Also called: PAX7-related condition.
Hereditary breast ovarian cancer syndrome. Also called: Hereditary breast and ovarian cancer syndrome; Hereditary breast and/or ovarian cancer syndrome; BRCA1- and BRCA2-Associated Hereditary Breast and Ovarian Cancer; Breast and ovarian cancer; Hereditary breast and ovarian cancer; Hereditary breast and ovarian cancer syndrome (HBOC). Identifiers: Orphanet 145, MedGen C0677776, MeSH D061325, MONDO:0003582. Disease mechanism: loss of function.

Allele frequency attached by ClinVar (database versions not stated): gnomAD exomes 0.00007 and 0.00016; ExAC 0.00059; gnomAD 0.00068 and 0.00078; TOPMed 0.00074.
gnomAD v4.1: 209 of 1,584,656 alleles (0.013%); highest among the groups gnomAD compares: African/African-American, 0.24%; no homozygotes.

Submissions (3):

PreventionGenetics, part of Exact Sciences
Classification: Likely benign for PAX7-related condition. Last evaluated: 2025-01-07. Review status: criteria provided, single submitter. Criteria: ACMG Guidelines, 2015. Collection method: clinical testing. Allele origin: germline.
Comment: This variant is classified as likely benign based on ACMG/AMP sequence variant interpretation guidelines (Richards et al. 2015 PMID: 25741868, with internal and published modifications).

Dasa
Classification: Uncertain significance. Last evaluated: 2024-10-25. Review status: criteria provided, single submitter. Criteria: DASA Assertion Criteria. Collection method: clinical testing. Allele origin: germline.
Comment: NM_001135254.2(PAX7):c.602A>G (p.Glu201Gly) is a missense variant that results in the substitution of glutamic acid with glycine. This variant is rare in population databases. The currently available literature and clinical evidence are not sufficient to establish a definitive association between this variant and the reported condition. Therefore, this variant is classified as a variant of uncertain significance.

Molecular Oncology Research Center, Barretos Cancer Hospital
Classification: Uncertain significance for Hereditary breast ovarian cancer syndrome. Last evaluated: 2020-08-01. Review status: criteria provided, single submitter. Criteria: ACMG Guidelines, 2015. Collection method: research. Allele origin: germline. Affected: yes. Observed: 1 variant allele.

NM_001135254.2(PAX7):c.602A>G (p.Glu201Gly)

Gene: PAX7 (paired box 7; plus strand). Cytogenetic location: 1p36.13.
Variant type: single nucleotide variant.
Coding change: c.602A>G on transcript NM_001135254.2 (MANE Select); coding-DNA position 602, A replaced by G.
Protein change: p.Glu201Gly; replaces glutamic acid 201 with glycine.
Molecular consequence: missense variant.
Genome position (GRCh38, 1-based): chr1:18,691,769, A>G. VCF-style: chr1-18691769-A-G. GRCh37 (hg19) VCF-style: chr1-19018263-A-G.
Other names: c.602A>G, p.Glu201Gly (NM_002584.3); c.596A>G, p.Glu199Gly (NM_013945.3); short protein forms E199G, E201G.
Identifiers: ClinVar variation 981889 (VCV000981889.4), dbSNP rs201602654, ClinGen allele CA645734.